The following is an entry in ClinVar:

NM_172201.2(KCNE2):c.141del (p.Tyr48fs)

Genes: KCNE2 (potassium voltage-gated channel subfamily E regulatory subunit 2; plus strand), LOC105372791 (uncharacterized LOC105372791; minus strand). Cytogenetic location: 21q22.11.
Variant type: Deletion.
Coding change: c.141del on transcript NM_172201.2 (MANE Select); coding-DNA position 141, one base deleted (C; older notation c.141delC).
Protein change: p.Tyr48fs; shifts the reading frame from tyrosine 48.
Molecular consequence: frameshift variant.
Genome position (GRCh38, 1-based): chr21:34,370,619, C deleted. VCF-style (leftmost placement, unchanged base first): chr21-34370618-AC-A. GRCh37 (hg19) VCF-style: chr21-35742917-AC-A.
Other names: c.141delC (NM_172201.1); short protein forms Y48fs.
Identifiers: ClinVar variation 1306180 (VCV001306180.4), dbSNP rs2123423791, ClinGen allele CA2573054929.
Genomic context (GRCh38, chr21:34,370,618, plus strand): 5'-GCCAGAACACAACAGCTGAGCAAGAGGCCCTCCAAGCCAAAGTTGATGCTGAGAACTTCT[AC>A]TATGTCATCCTGTACCTCATGGTGATGATTGGAATGTTCTCTTTCATCATCGTGGCCATC-3'

ClinVar aggregate classification (germline): Uncertain significance. Review status: criteria provided, multiple submitters, no conflicts (2 of 4 stars). 3 submissions from 3 submitters: Uncertain significance (3). Last evaluated 2025-12-29.

Conditions:
Cardiovascular phenotype. Identifiers: MedGen CN230736.
Long QT syndrome 6 (LQT6). Identifiers: Orphanet 101016, Orphanet 768, MedGen C3150953, MONDO:0013370, OMIM 613693.

Allele frequency attached by ClinVar (database versions not stated): gnomAD exomes below 0.00001.

Submissions (3):

Labcorp Genetics (formerly Invitae), Labcorp
Classification: Uncertain significance for Long QT syndrome 6. Last evaluated: 2025-12-29. Review status: criteria provided, single submitter. Criteria: Invitae Variant Classification Sherloc (09022015). Collection method: clinical testing. Allele origin: germline.
Comment: This sequence change creates a premature translational stop signal (p.Tyr48Metfs*8) in the KCNE2 gene. While this is not anticipated to result in nonsense mediated decay, it is expected to disrupt the last 76 amino acid(s) of the KCNE2 protein. This variant is not present in population databases (gnomAD no frequency). This variant has not been reported in the literature in individuals affected with KCNE2-related conditions. ClinVar contains an entry for this variant (Variation ID: 1306180). Experimental studies and prediction algorithms are not available or were not evaluated, and the functional significance of this variant is currently unknown. In summary, the available evidence is currently insufficient to determine the role of this variant in disease. Therefore, it has been classified as a Variant of Uncertain Significance.

Ambry Genetics
Classification: Uncertain significance for Cardiovascular phenotype. Last evaluated: 2025-10-15. Review status: criteria provided, single submitter. Criteria: Ambry Variant Classification Scheme 2023. Collection method: clinical testing. Allele origin: germline.
Comment: The c.141delC variant, located in coding exon 1 of the KCNE2 gene, results from a deletion of one nucleotide at nucleotide position 141, causing a translational frameshift with a predicted alternate stop codon (p.Y48Mfs*8). The evidence for this gene-disease relationship is limited; therefore, the clinical significance of this alteration is unclear.

GeneDx
Classification: Uncertain significance. Last evaluated: 2019-06-07. Review status: criteria provided, single submitter. Criteria: GeneDx Variant Classification Process June 2021. Collection method: clinical testing. Allele origin: germline. Affected: yes.
Comment: Not observed in large population cohorts (Lek et al., 2016); Frameshift variant predicted to result in protein truncation as the last 76 amino acids are lost and replaced with 7 incorrect amino acids, although loss-of-function variants have not been reported downstream of this position in the protein; Has not been previously published as pathogenic or benign to our knowledge